The following is an entry in ClinVar:

NM_001039958.2(MESP2):c.1078G>A (p.Ala360Thr)

Gene: MESP2 (mesoderm posterior bHLH transcription factor 2; plus strand). Cytogenetic location: 15q26.1.
Variant type: single nucleotide variant.
Coding change: c.1078G>A on transcript NM_001039958.2 (MANE Select); coding-DNA position 1078, G replaced by A.
Protein change: p.Ala360Thr; replaces alanine 360 with threonine.
Molecular consequence: missense variant.
Genome position (GRCh38, 1-based): chr15:89,778,218, G>A. VCF-style: chr15-89778218-G-A. GRCh37 (hg19) VCF-style: chr15-90321449-G-A.
Other names: c.1078G>A (NM_001039958.1); short protein forms A360T.
Identifiers: ClinVar variation 2047212 (VCV002047212.2), dbSNP rs774665542, ClinGen allele CA7730594.

ClinVar aggregate classification (germline): Uncertain significance. Review status: criteria provided, multiple submitters, no conflicts (2 of 4 stars). 2 submissions from 2 submitters: Uncertain significance (2). Last evaluated 2025-07-24.

Conditions:
Inborn genetic diseases. Identifiers: MedGen C0950123, MeSH D030342.

Allele frequency attached by ClinVar (database versions not stated): gnomAD 0.00002; ExAC 0.00003; gnomAD exomes 0.00003; TOPMed 0.00003.

Submissions (2):

Ambry Genetics
Classification: Uncertain significance for Inborn genetic diseases. Last evaluated: 2025-07-24. Review status: criteria provided, single submitter. Criteria: Ambry Variant Classification Scheme 2023. Collection method: clinical testing. Allele origin: germline.

Labcorp Genetics (formerly Invitae), Labcorp
Classification: Uncertain significance. Last evaluated: 2022-02-05. Review status: criteria provided, single submitter. Criteria: Invitae Variant Classification Sherloc (09022015). Collection method: clinical testing. Allele origin: germline.
Comment: This sequence change replaces alanine, which is neutral and non-polar, with threonine, which is neutral and polar, at codon 360 of the MESP2 protein (p.Ala360Thr). This variant is present in population databases (rs774665542, gnomAD 0.01%). This variant has not been reported in the literature in individuals affected with MESP2-related conditions. Algorithms developed to predict the effect of missense changes on protein structure and function (SIFT, PolyPhen-2, Align-GVGD) all suggest that this variant is likely to be tolerated. In summary, the available evidence is currently insufficient to determine the role of this variant in disease. Therefore, it has been classified as a Variant of Uncertain Significance.